The following is an entry in ClinVar:

ClinVar aggregate classification (germline): Uncertain significance (1 of 4 stars; one submission).

Submission:

Women's Health and Genetics/Laboratory Corporation of America, LabCorp
Classification: Uncertain significance. Last evaluated: 2024-08-07. Review status: criteria provided, single submitter. Criteria: LabCorp Variant Classification Summary - May 2015. Collection method: clinical testing. Allele origin: germline.
Comment: Variant summary: FBN1 c.7538C>G (p.Pro2513Arg) results in a non-conservative amino acid change located in the EGF-like domain (IPR000742) of the encoded protein sequence. Five of five in-silico tools predict a damaging effect of the variant on protein function. The variant was absent in 251264 control chromosomes. The available data on variant occurrences in the general population are insufficient to allow any conclusion about variant significance. To our knowledge, no occurrence of c.7538C>G in individuals affected with Marfan Syndrome and no experimental evidence demonstrating its impact on protein function have been reported. No submitters have cited clinical-significance assessments for this variant to ClinVar. Based on the evidence outlined above, the variant was classified as uncertain significance.

NM_000138.5(FBN1):c.7538C>G (p.Pro2513Arg)

Gene: FBN1 (fibrillin 1; minus strand). Cytogenetic location: 15q21.1.
Variant type: single nucleotide variant.
Coding change: c.7538C>G on transcript NM_000138.5 (MANE Select); coding-DNA position 7538, C replaced by G.
Protein change: p.Pro2513Arg; replaces proline 2513 with arginine.
Molecular consequence: missense variant.
Genome position (GRCh38, 1-based): chr15:48,421,984, G>C on the plus strand (C>G on the coding strand, the complement: FBN1 is on the minus strand). VCF-style: chr15-48421984-G-C. GRCh37 (hg19) VCF-style: chr15-48714181-G-C.
Other names: c.7538C>G, p.Pro2513Arg (NM_001406716.1); short protein forms P2513R.
Identifiers: ClinVar variation 3366453 (VCV003366453.1).